The following is an entry in ClinVar:

ClinVar aggregate classification (germline): Pathogenic (1 of 4 stars; one submission).

Conditions:
RYR1-related disorder. Also called: RYR1-related condition; RYR1-related disorders. Identifiers: MedGen CN239331.

Submission:

Labcorp Genetics (formerly Invitae), Labcorp
Classification: Pathogenic for RYR1-related disorder. Last evaluated: 2022-04-11. Review status: criteria provided, single submitter. Criteria: Invitae Variant Classification Sherloc (09022015). Collection method: clinical testing. Allele origin: germline.
Comment: This variant is not present in population databases (gnomAD no frequency). This sequence change creates a premature translational stop signal (p.Glu4410*) in the RYR1 gene. It is expected to result in an absent or disrupted protein product. Loss-of-function variants in RYR1 are known to be pathogenic (PMID: 20583297, 20839240, 23919265, 28818389). This variant has not been reported in the literature in individuals affected with RYR1-related conditions. For these reasons, this variant has been classified as Pathogenic.

Literature cited by the submitters: PubMed 20583297; PubMed 20839240; PubMed 23919265; PubMed 28818389.

NM_000540.3(RYR1):c.13228G>T (p.Glu4410Ter)

Gene: RYR1 (ryanodine receptor 1; plus strand). Cytogenetic location: 19q13.2.
Variant type: single nucleotide variant.
Coding change: c.13228G>T on transcript NM_000540.3 (MANE Select); coding-DNA position 13228, G replaced by T.
Protein change: p.Glu4410Ter; replaces glutamic acid 4410 with a stop codon.
Molecular consequence: nonsense.
Genome position (GRCh38, 1-based): chr19:38,565,562, G>T. VCF-style: chr19-38565562-G-T. GRCh37 (hg19) VCF-style: chr19-39056202-G-T.
Other names: c.13213G>T, p.Glu4405Ter (NM_001042723.2); short protein forms E4405*, E4410*.
Identifiers: ClinVar variation 2104844 (VCV002104844.4), dbSNP rs776964609, ClinGen allele CA405674492.